The following is an entry in ClinVar:

NM_182643.3(DLC1):c.173G>C (p.Cys58Ser)

Gene: DLC1 (DLC1 Rho GTPase activating protein; minus strand). Cytogenetic location: 8p22.
Variant type: single nucleotide variant.
Coding change: c.173G>C on transcript NM_182643.3 (MANE Select); coding-DNA position 173, G replaced by C.
Protein change: p.Cys58Ser; replaces cysteine 58 with serine.
Molecular consequence: missense variant. On other transcripts: 5 prime UTR variant (1).
Genome position (GRCh38, 1-based): chr8:13,499,899, C>G on the plus strand (G>C on the coding strand, the complement: DLC1 is on the minus strand). VCF-style: chr8-13499899-C-G. GRCh37 (hg19) VCF-style: chr8-13357408-C-G.
Other names: c.173G>C, p.Cys58Ser (NM_001348081.2, NM_001413124.1, NM_001413125.1 and 1 more transcripts); c.-1279G>C (NM_001348082.2); short protein forms C58S.
Identifiers: ClinVar variation 3082673 (VCV003082673.3), dbSNP rs745558252, ClinGen allele CA4639568.

ClinVar aggregate classification (germline): Uncertain significance. Review status: criteria provided, multiple submitters, no conflicts (2 of 4 stars). 3 submissions from 3 submitters: Uncertain significance (3). Last evaluated 2025-12-02.

Conditions:
Colorectal cancer. Also called: Malignant Colorectal Neoplasm; Colorectal cancer, somatic. Identifiers: MedGen C0346629, MONDO:0005575, OMIM 114500.

Allele frequency attached by ClinVar (database versions not stated): ExAC 0.00001.
gnomAD v4.1: 16 of 1,614,102 alleles (0.00099%); highest among the groups gnomAD compares: South Asian, 0.0022%; 1 homozygote.

Submissions (3):

Labcorp Genetics (formerly Invitae), Labcorp
Classification: Uncertain significance. Last evaluated: 2025-12-02. Review status: criteria provided, single submitter. Criteria: Invitae Variant Classification Sherloc (09022015). Collection method: clinical testing. Allele origin: germline.
Comment: This sequence change replaces cysteine, which is neutral and slightly polar, with serine, which is neutral and polar, at codon 58 of the DLC1 protein (p.Cys58Ser). This variant is present in population databases (rs745558252, gnomAD 0.002%). This variant has not been reported in the literature in individuals affected with DLC1-related conditions. ClinVar contains an entry for this variant (Variation ID: 3082673). An algorithm developed to predict the effect of missense changes on protein structure and function (PolyPhen-2) suggests that this variant is likely to be tolerated. In summary, the available evidence is currently insufficient to determine the role of this variant in disease. Therefore, it has been classified as a Variant of Uncertain Significance.

Fulgent Genetics
Classification: Uncertain significance for Colorectal cancer. Last evaluated: 2024-01-29. Review status: criteria provided, single submitter. Criteria: ACMG Guidelines, 2015. Collection method: clinical testing. Allele origin: germline.

Ambry Genetics
Classification: Uncertain significance. Last evaluated: 2023-12-18. Review status: criteria provided, single submitter. Criteria: Ambry Variant Classification Scheme 2023. Collection method: clinical testing. Allele origin: germline.